The following is an entry in ClinVar:

ClinVar aggregate classification (germline): Uncertain significance (1 of 4 stars; one submission).

Submission:

GeneDx
Classification: Uncertain significance. Last evaluated: 2026-03-17. Review status: criteria provided, single submitter. Criteria: GeneDx Variant Classification Process June 2021. Collection method: clinical testing. Allele origin: germline.
Comment: Not observed at significant frequency in large population cohorts (gnomAD); In silico analysis supports that this missense variant has a deleterious effect on protein structure/function; Has not been previously published as pathogenic or benign to our knowledge

NM_006186.4(NR4A2):c.1502C>G (p.Ser501Cys)

Gene: NR4A2 (nuclear receptor subfamily 4 group A member 2; minus strand). Cytogenetic location: 2q24.1.
Variant type: single nucleotide variant.
Coding change: c.1502C>G on transcript NM_006186.4 (MANE Select); coding-DNA position 1502, C replaced by G.
Protein change: p.Ser501Cys; replaces serine 501 with cysteine.
Molecular consequence: missense variant.
Genome position (GRCh38, 1-based): chr2:156,326,188, G>C on the plus strand (C>G on the coding strand, the complement: NR4A2 is on the minus strand). VCF-style: chr2-156326188-G-C. GRCh37 (hg19) VCF-style: chr2-157182700-G-C.
Other names: c.1313C>G, p.Ser438Cys (NM_173173.3); short protein forms S438C, S501C.
Identifiers: ClinVar variation 5009310 (VCV005009310.1).